The following is an entry in ClinVar:

NM_006231.4(POLE):c.2173+1G>A

Gene: POLE (DNA polymerase epsilon, catalytic subunit; minus strand). Cytogenetic location: 12q24.33.
Variant type: single nucleotide variant.
Coding change: c.2173+1G>A on transcript NM_006231.4 (MANE Select); the canonical splice donor site of the intron after coding-DNA position 2173, G replaced by A.
Molecular consequence: splice donor variant.
Genome position (GRCh38, 1-based): chr12:132,668,355, C>T on the plus strand (G>A on the coding strand, the complement: POLE is on the minus strand). VCF-style: chr12-132668355-C-T. GRCh37 (hg19) VCF-style: chr12-133244941-C-T.
Identifiers: ClinVar variation 3781498 (VCV003781498.1).

ClinVar aggregate classification (germline): Uncertain significance (1 of 4 stars; one submission).

Conditions:
Hereditary cancer-predisposing syndrome. Also called: Neoplastic Syndromes, Hereditary; Hereditary Cancer Syndrome; Tumor predisposition; Hereditary neoplastic syndrome. Identifiers: Orphanet 140162, MedGen C0027672, MeSH D009386, MONDO:0015356.

Submission:

Ambry Genetics
Classification: Uncertain significance for Hereditary cancer-predisposing syndrome. Last evaluated: 2025-03-11. Review status: criteria provided, single submitter. Criteria: Ambry Variant Classification Scheme 2023. Collection method: clinical testing. Allele origin: germline.
Comment: The c.2173+1G>A intronic variant results from a G to A substitution one nucleotide after coding exon 19 of the POLE gene. Alterations that disrupt the canonical splice site are expected to result in aberrant splicing. In silico splice site analysis predicts that this alteration will weaken the native splice donor site. The resulting transcript is predicted to be in-frame and is not expected to trigger nonsense-mediated mRNA decay; although, direct evidence is unavailable. This nucleotide position is highly conserved in available vertebrate species. Based on the available evidence, the clinical significance of this variant remains unclear.